The following is an entry in ClinVar:

NM_006885.4(ZFHX3):c.9530C>T (p.Ser3177Leu)

Genes: ZFHX3 (zinc finger homeobox 3; minus strand), ZFHX3-AS1 (ZFHX3 antisense RNA 1; plus strand). Cytogenetic location: 16q22.2.
Variant type: single nucleotide variant.
Coding change: c.9530C>T on transcript NM_006885.4 (MANE Select); coding-DNA position 9530, C replaced by T.
Protein change: p.Ser3177Leu; replaces serine 3177 with leucine.
Molecular consequence: missense variant.
Genome position (GRCh38, 1-based): chr16:72,788,746, G>A on the plus strand (C>T on the coding strand, the complement: ZFHX3 is on the minus strand). VCF-style: chr16-72788746-G-A. GRCh37 (hg19) VCF-style: chr16-72822645-G-A.
Other names: c.6788C>T, p.Ser2263Leu (NM_001164766.2); short protein forms S2263L, S3177L.
Identifiers: ClinVar variation 708702 (VCV000708702.7), dbSNP rs149133285, ClinGen allele CA8162832.

ClinVar aggregate classification (germline): Benign/Likely benign. Review status: criteria provided, multiple submitters, no conflicts (2 of 4 stars). 4 submissions from 4 submitters: Benign (2); Likely benign (1). 1 of the submissions does not count toward it. Last evaluated 2025-08-18.

Conditions:
ZFHX3-related disorder. Also called: ZFHX3-related condition.

Allele frequency attached by ClinVar (database versions not stated): gnomAD exomes 0.00664 and 0.00677; ExAC 0.00700; TOPMed 0.00323; ESP Exome Variant Server 0.00400; gnomAD 0.00414 and 0.00446; 1000 Genomes Project 0.00479; 1000 Genomes Project 30x 0.00484.
gnomAD v4.1: 10,119 of 1,584,268 alleles (0.64%); highest among the groups gnomAD compares: South Asian, 1.6%; 68 homozygotes.

Submissions (4):

Genomic Medicine Center of Excellence, King Faisal Specialist Hospital and Research Centre
Classification: Likely benign. Last evaluated: 2025-08-18. Review status: criteria provided, single submitter. Criteria: ACMG Guidelines, 2015. Collection method: clinical testing. Allele origin: germline.

Labcorp Genetics (formerly Invitae), Labcorp
Classification: Benign. Last evaluated: 2017-11-14. Review status: criteria provided, single submitter. Criteria: Invitae Variant Classification Sherloc (09022015). Collection method: clinical testing. Allele origin: germline.

Breakthrough Genomics
Classification: Benign. Review status: criteria provided, single submitter. Criteria: ACMG Guidelines, 2015. Collection method: not provided. Allele origin: germline. Inheritance: Autosomal dominant inheritance. Affected: yes.

PreventionGenetics, part of Exact Sciences
Classification: Benign for ZFHX3-related condition. Last evaluated: 2019-06-27. Review status: no assertion criteria provided. Collection method: clinical testing. Allele origin: germline. Not counted in ClinVar's aggregate classification.
Comment: This variant is classified as benign based on ACMG/AMP sequence variant interpretation guidelines (Richards et al. 2015 PMID: 25741868, with internal and published modifications).